The following is an entry in ClinVar:

ClinVar aggregate classification (germline): Uncertain significance (1 of 4 stars; one submission).

gnomAD v4.1: 1 of 1,614,026 alleles (0.000062%); highest among the groups gnomAD compares: African/African-American, 0.0013%; no homozygotes.

Submission:

Quest Diagnostics Nichols Institute San Juan Capistrano
Classification: Uncertain significance. Last evaluated: 2024-02-07. Review status: criteria provided, single submitter. Criteria: Quest Diagnostics criteria. Collection method: clinical testing. Allele origin: unknown.
Comment: The FANCA c.3313T>C (p.Cys1105Arg) variant has not been reported in individuals with FANCA-related conditions in the published literature. The frequency of this variant in the general population, 0.000032 (1/31410 chromosomes (Genome Aggregation Database)), is uninformative in the assessment of its pathogenicity. Analysis of this variant using bioinformatics tools for the prediction of the effect of amino acid changes on protein structure and function yielded conflicting predictions that this variant is benign or damaging. Based on the available information, we are unable to determine the clinical significance of this variant.

NM_000135.4(FANCA):c.3313T>C (p.Cys1105Arg)

Gene: FANCA (FA complementation group A; minus strand). Cytogenetic location: 16q24.3.
Variant type: single nucleotide variant.
Coding change: c.3313T>C on transcript NM_000135.4 (MANE Select); coding-DNA position 3313, T replaced by C.
Protein change: p.Cys1105Arg; replaces cysteine 1105 with arginine.
Molecular consequence: missense variant.
Genome position (GRCh38, 1-based): chr16:89,748,694, A>G on the plus strand (T>C on the coding strand, the complement: FANCA is on the minus strand). VCF-style: chr16-89748694-A-G. GRCh37 (hg19) VCF-style: chr16-89815102-A-G.
Other names: c.3313T>C, p.Cys1105Arg (NM_001286167.3); short protein forms C1105R.
Identifiers: ClinVar variation 3572398 (VCV003572398.1).
Genomic context (GRCh38, chr16:89,748,694, plus strand): 5'-GGACACGTGCACACGGGGCACCTACCATCTCAGAGTTGACCAAGTGGAAGAACTGCTCGC[A>G]TCTGGCAGTGATGGGCTGTTCTGCCTGGAAGCTGCTGCCGCAGAGGACAGACGAAGGCAG-3'
Protein context (NP_000126.2, residues 1095-1115): FQAEQPITAR[Cys1105Arg]EQFFHLVNSE